The following is an entry in ClinVar:

NM_014915.3(ANKRD26):c.3520A>G (p.Ile1174Val)

Gene: ANKRD26 (ankyrin repeat domain 26; minus strand). Cytogenetic location: 10p12.1.
Variant type: single nucleotide variant.
Coding change: c.3520A>G on transcript NM_014915.3 (MANE Select); coding-DNA position 3520, A replaced by G.
Protein change: p.Ile1174Val; replaces isoleucine 1174 with valine.
Molecular consequence: missense variant.
Genome position (GRCh38, 1-based): chr10:27,034,930, T>C on the plus strand (A>G on the coding strand, the complement: ANKRD26 is on the minus strand). VCF-style: chr10-27034930-T-C. GRCh37 (hg19) VCF-style: chr10-27323859-T-C.
Other names: c.3517A>G, p.Ile1173Val (NM_001256053.2); short protein forms I1173V, I1174V.
Identifiers: ClinVar variation 2505606 (VCV002505606.4), dbSNP rs749443513, ClinGen allele CA5448028.

ClinVar aggregate classification (germline): Uncertain significance. Review status: criteria provided, multiple submitters, no conflicts (2 of 4 stars). 3 submissions from 3 submitters: Uncertain significance (3). Last evaluated 2024-11-22.

Conditions:
Inborn genetic diseases. Identifiers: MedGen C0950123, MeSH D030342.

Allele frequency attached by ClinVar (database versions not stated): gnomAD exomes below 0.00001; TOPMed below 0.00001; ExAC 0.00001; gnomAD 0.00001.
gnomAD v4.1: 6 of 1,613,962 alleles (0.00037%); highest among the groups gnomAD compares: Admixed American, 0.005%; no homozygotes.

Submissions (3):

Ambry Genetics
Classification: Uncertain significance for Inborn genetic diseases. Last evaluated: 2024-11-22. Review status: criteria provided, single submitter. Criteria: Ambry Variant Classification Scheme 2023. Collection method: clinical testing. Allele origin: germline.
Comment: The p.I1174V variant (also known as c.3520A>G), located in coding exon 24 of the ANKRD26 gene, results from an A to G substitution at nucleotide position 3520. The isoleucine at codon 1174 is replaced by valine, an amino acid with highly similar properties. This amino acid position is conserved. In addition, this alteration is predicted to be tolerated by in silico analysis. Based on the available evidence, the clinical significance of this variant remains unclear.

Labcorp Genetics (formerly Invitae), Labcorp
Classification: Uncertain significance. Last evaluated: 2024-07-23. Review status: criteria provided, single submitter. Criteria: Invitae Variant Classification Sherloc (09022015). Collection method: clinical testing. Allele origin: germline.
Comment: This sequence change replaces isoleucine, which is neutral and non-polar, with valine, which is neutral and non-polar, at codon 1174 of the ANKRD26 protein (p.Ile1174Val). This variant is present in population databases (rs749443513, gnomAD 0.0009%). This variant has not been reported in the literature in individuals affected with ANKRD26-related conditions. ClinVar contains an entry for this variant (Variation ID: 2505606). An algorithm developed to predict the effect of missense changes on protein structure and function outputs the following: PolyPhen-2: "Benign". The valine amino acid residue is found in multiple mammalian species, which suggests that this missense change does not adversely affect protein function. In summary, the available evidence is currently insufficient to determine the role of this variant in disease. Therefore, it has been classified as a Variant of Uncertain Significance.

GeneDx
Classification: Uncertain significance. Last evaluated: 2022-12-16. Review status: criteria provided, single submitter. Criteria: GeneDx Variant Classification Process June 2021. Collection method: clinical testing. Allele origin: germline. Affected: yes.
Comment: Not observed at significant frequency in large population cohorts (gnomAD); In silico analysis supports that this missense variant does not alter protein structure/function; Has not been previously published as pathogenic or benign to our knowledge